The following is an entry in ClinVar:

ClinVar aggregate classification (germline): Uncertain significance (1 of 4 stars; one submission).

Conditions:
Hereditary breast ovarian cancer syndrome. Also called: Hereditary breast and ovarian cancer syndrome (HBOC); Breast and ovarian cancer; BRCA1- and BRCA2-Associated Hereditary Breast and Ovarian Cancer; Hereditary breast and ovarian cancer syndrome; Hereditary breast and ovarian cancer; Hereditary breast and/or ovarian cancer syndrome. Identifiers: Orphanet 145, MedGen C0677776, MeSH D061325, MONDO:0003582. Disease mechanism: loss of function.

Submission:

Labcorp Genetics (formerly Invitae), Labcorp
Classification: Uncertain significance for Hereditary breast ovarian cancer syndrome. Last evaluated: 2023-02-26. Review status: criteria provided, single submitter. Criteria: Invitae Variant Classification Sherloc (09022015). Collection method: clinical testing. Allele origin: germline.
Comment: In summary, the available evidence is currently insufficient to determine the role of this variant in disease. Therefore, it has been classified as a Variant of Uncertain Significance. This variant has not been reported in the literature in individuals affected with BRCA2-related conditions. This variant is not present in population databases (gnomAD no frequency). This variant, c.613_614insCGCTTA, results in the insertion of 2 amino acid(s) of the BRCA2 protein (p.Thr203_Leu204dup), but otherwise preserves the integrity of the reading frame.

NM_000059.4(BRCA2):c.613_614insCGCTTA (p.Leu204_Ser205insThrLeu)

Gene: BRCA2 (BRCA2 DNA repair associated; plus strand). Cytogenetic location: 13q13.1.
Variant type: Insertion.
Coding change: c.613_614insCGCTTA on transcript NM_000059.4 (MANE Select); coding-DNA positions 613 to 614, CGCTTA inserted.
Protein change: p.Leu204_Ser205insThrLeu.
Molecular consequence: inframe insertion. On other transcripts: non-coding transcript variant (1).
Genome position: GRCh38 VCF-style: chr13-32326591-C-CCTTACG. GRCh37 (hg19) VCF-style: chr13-32900728-C-CCTTACG.
Other names: c.613_614insCGCTTA, p.Leu204_Ser205insThrLeu (NM_001406719.1, NM_001406720.1, NM_001406721.1); c.244_245insCGCTTA, p.Leu81_Ser82insThrLeu (NM_001406722.1).
Identifiers: ClinVar variation 2841186 (VCV002841186.3), dbSNP rs397507830, ClinGen allele CA2739277529.
Genomic context (GRCh38, chr13:32,326,591, plus strand): 5'-TCTAGGAGCTGAGGTGGATCCTGATATGTCTTGGTCAAGTTCTTTAGCTACACCACCCAC[C>CCTTACG]CTTAGTTCTACTGTGCTCATAGGTAATAATAGCAAATGTGTATTTACAAGAAAGAGCAGA-3'